The following is an entry in ClinVar:

ClinVar aggregate classification (germline): Uncertain significance (1 of 4 stars; one submission).

Allele frequency attached by ClinVar (database versions not stated): gnomAD 0.00001; ExAC 0.00002; gnomAD exomes 0.00002; TOPMed 0.00002.
gnomAD v4.1: 47 of 1,613,570 alleles (0.0029%); highest among the groups gnomAD compares: Non-Finnish European, 0.004%; no homozygotes.

Submission:

Labcorp Genetics (formerly Invitae), Labcorp
Classification: Uncertain significance. Last evaluated: 2024-01-19. Review status: criteria provided, single submitter. Criteria: Invitae Variant Classification Sherloc (09022015). Collection method: clinical testing. Allele origin: germline.
Comment: This sequence change replaces histidine, which is basic and polar, with leucine, which is neutral and non-polar, at codon 1316 of the DUOX2 protein (p.His1316Leu). This variant is present in population databases (rs751910050, gnomAD 0.004%). This missense change has been observed in individual(s) with inflammatory bowel disease (PMID: 33651715). ClinVar contains an entry for this variant (Variation ID: 1362055). Advanced modeling of protein sequence and biophysical properties (such as structural, functional, and spatial information, amino acid conservation, physicochemical variation, residue mobility, and thermodynamic stability) performed at Invitae indicates that this missense variant is expected to disrupt DUOX2 protein function with a positive predictive value of 80%. In summary, the available evidence is currently insufficient to determine the role of this variant in disease. Therefore, it has been classified as a Variant of Uncertain Significance.

Literature cited by the submitters: PubMed 33651715.

NM_001363711.2(DUOX2):c.3947A>T (p.His1316Leu)

Gene: DUOX2 (dual oxidase 2; minus strand). Cytogenetic location: 15q21.1.
Variant type: single nucleotide variant.
Coding change: c.3947A>T on transcript NM_001363711.2 (MANE Select); coding-DNA position 3947, A replaced by T.
Protein change: p.His1316Leu; replaces histidine 1316 with leucine.
Molecular consequence: missense variant.
Genome position (GRCh38, 1-based): chr15:45,095,961, T>A on the plus strand (A>T on the coding strand, the complement: DUOX2 is on the minus strand). VCF-style: chr15-45095961-T-A. GRCh37 (hg19) VCF-style: chr15-45388159-T-A.
Other names: c.3947A>T, p.His1316Leu (NM_014080.5); short protein forms H1316L.
Identifiers: ClinVar variation 1362055 (VCV001362055.6), dbSNP rs751910050, ClinGen allele CA7537684.
Genomic context (GRCh38, chr15:45,095,961, plus strand): 5'-ACTGCCCGGATGTGCAGGCTGAGTGTGTCCTCATGGGGCGCGGAGGTCAGTGTGAAGGGG[T>A]GGTACTCGGTGGTCCCCAGAGCCAGGCAGGCGATCCGCACCCACTGTCCTGACTTGTACT-3'
Protein context (NP_001350640.1, residues 1306-1326): ACLALGTTEY[His1316Leu]PFTLTSAPHE